The following is an entry in ClinVar:

NM_024740.2(ALG9):c.879T>G (p.His293Gln)

Gene: ALG9 (ALG9 alpha-1,2-mannosyltransferase; minus strand). Cytogenetic location: 11q23.1.
Variant type: single nucleotide variant.
Coding change: c.879T>G on transcript NM_024740.2 (MANE Select); coding-DNA position 879, T replaced by G.
Protein change: p.His293Gln; replaces histidine 293 with glutamine.
Molecular consequence: missense variant. On other transcripts: non-coding transcript variant (1).
Genome position (GRCh38, 1-based): chr11:111,853,396, A>C on the plus strand (T>G on the coding strand, the complement: ALG9 is on the minus strand). VCF-style: chr11-111853396-A-C. GRCh37 (hg19) VCF-style: chr11-111724119-A-C.
Other names: c.879T>G, p.His293Gln (NM_001077690.1, NM_001352417.1, NM_001352418.1); c.366T>G, p.His122Gln (NM_001077691.2, NM_001077692.2, NM_001352409.1 and 11 more transcripts); c.291T>G, p.His97Gln (NM_001352422.2); short protein forms H122Q, H293Q, H97Q.
Identifiers: ClinVar variation 1301781 (VCV001301781.2), dbSNP rs1285072714, ClinGen allele CA382603602.
Genomic context (GRCh38, chr11:111,853,396, plus strand): 5'-TTAAGCTATCTCCTAACACTTGCCCAAATTTCACAAAGCCTTACCATAAAGATCAGGTCC[A>C]TGAGGAGTAAAGACATTATACAAAACAATGTTGAGTGGTGCAATCACCAACTTCCCATAA-3'
Protein context (NP_079016.2, residues 283-303): NIVLYNVFTP[His293Gln]GPDLYGTEPW

ClinVar aggregate classification (germline): Uncertain significance (1 of 4 stars; one submission).

Conditions:
ALG9 congenital disorder of glycosylation (CDG1L). Also called: CDG Il; CONGENITAL DISORDER OF GLYCOSYLATION, TYPE Il; ALG9-CDG. Identifiers: Orphanet 79328, MedGen C2931006, MONDO:0012117, OMIM 608776.

Allele frequency attached by ClinVar (database versions not stated): gnomAD exomes below 0.00001 and 0.00001.
gnomAD v4.1: 5 of 1,613,752 alleles (0.00031%); highest among the groups gnomAD compares: South Asian, 0.0044%; 1 homozygote.

Submission:

Dubai Health Genomic Medicine Center, Dubai Health
Classification: Uncertain significance for ALG9 congenital disorder of glycosylation. Last evaluated: 2020-03-16. Review status: criteria provided, single submitter. Criteria: ACMG Guidelines, 2015. Collection method: clinical testing. Allele origin: germline. Affected: yes.
Comment: The p.His122Gln in ALG9 (NM_001077691.1) has not been previously reported in aindividuals with disease but was observed in 1/30584 (0.0033%) South Asian alleles in the Genome Aggregation Database (gnomAD). Computational prediction tools and conservation analysis suggest an impact to protein function though this information is not predictive enough to confirm pathogenicity. In Summary, more information is needed to determine the clinical significance of this variant.